The following is an entry in ClinVar:

NM_020184.4(CNNM4):c.1898C>T (p.Thr633Met)

Gene: CNNM4 (cyclin and CBS domain divalent metal cation transport mediator 4; plus strand). Cytogenetic location: 2q11.2.
Variant type: single nucleotide variant.
Coding change: c.1898C>T on transcript NM_020184.4 (MANE Select); coding-DNA position 1898, C replaced by T.
Protein change: p.Thr633Met; replaces threonine 633 with methionine.
Molecular consequence: missense variant.
Genome position (GRCh38, 1-based): chr2:96,799,598, C>T. VCF-style: chr2-96799598-C-T. GRCh37 (hg19) VCF-style: chr2-97465335-C-T.
Other names: short protein forms T633M.
Identifiers: ClinVar variation 1019880 (VCV001019880.9), dbSNP rs765600437, ClinGen allele CA1783506.

ClinVar aggregate classification (germline): Uncertain significance. Review status: criteria provided, multiple submitters, no conflicts (2 of 4 stars). 2 submissions from 2 submitters: Uncertain significance (2). Last evaluated 2024-11-06.

Allele frequency attached by ClinVar (database versions not stated): ExAC below 0.00001; gnomAD 0.00001; gnomAD exomes 0.00001 and 0.00002; TOPMed 0.00001.
gnomAD v4.1: 23 of 1,554,686 alleles (0.0015%); highest among the groups gnomAD compares: East Asian, 0.0049%; no homozygotes.

Submissions (2):

Blueprint Genetics
Classification: Uncertain significance. Last evaluated: 2024-11-06. Review status: criteria provided, single submitter. Criteria: ACMG Guidelines, 2015. Collection method: clinical testing. Allele origin: germline.

Labcorp Genetics (formerly Invitae), Labcorp
Classification: Uncertain significance. Last evaluated: 2024-10-22. Review status: criteria provided, single submitter. Criteria: Invitae Variant Classification Sherloc (09022015). Collection method: clinical testing. Allele origin: germline.
Comment: This sequence change replaces threonine, which is neutral and polar, with methionine, which is neutral and non-polar, at codon 633 of the CNNM4 protein (p.Thr633Met). The frequency data for this variant in the population databases is considered unreliable, as metrics indicate poor data quality at this position in the gnomAD database. This variant has not been reported in the literature in individuals affected with CNNM4-related conditions. ClinVar contains an entry for this variant (Variation ID: 1019880). Invitae Evidence Modeling of protein sequence and biophysical properties (such as structural, functional, and spatial information, amino acid conservation, physicochemical variation, residue mobility, and thermodynamic stability) indicates that this missense variant is not expected to disrupt CNNM4 protein function with a negative predictive value of 80%. In summary, the available evidence is currently insufficient to determine the role of this variant in disease. Therefore, it has been classified as a Variant of Uncertain Significance.